The following is an entry in ClinVar:

ClinVar aggregate classification (germline): Uncertain significance. Review status: criteria provided, multiple submitters, no conflicts (2 of 4 stars). 2 submissions from 2 submitters: Uncertain significance (2). Last evaluated 2025-12-15.

Conditions:
Hereditary cancer-predisposing syndrome. Also called: Hereditary neoplastic syndrome; Tumor predisposition; Neoplastic Syndromes, Hereditary; Hereditary Cancer Syndrome. Identifiers: Orphanet 140162, MedGen C0027672, MeSH D009386, MONDO:0015356.
Familial cancer of breast. Also called: BREAST CANCER, FAMILIAL; Hereditary breast cancer; hereditary breast carcinoma. Identifiers: Orphanet 227535, MedGen C0346153, MONDO:0016419, OMIM 114480. Disease mechanism: loss of function.

Submissions (2):

Color Diagnostics, LLC DBA Color Health
Classification: Uncertain significance for Hereditary cancer-predisposing syndrome. Last evaluated: 2025-12-15. Review status: criteria provided, single submitter. Criteria: ACMG Guidelines, 2015. Collection method: clinical testing. Allele origin: germline.
Comment: This missense variant replaces arginine with glycine at codon 411 of the PALB2 protein. Computational prediction suggests that this variant may not impact protein structure and function. To our knowledge, functional studies have not been reported for this variant. This variant has not been reported in individuals affected with PALB2-related disorders in the literature. This variant has not been identified in the general population by the Genome Aggregation Database (gnomAD). The available evidence is insufficient to determine the role of this variant in disease conclusively. Therefore, this variant is classified as a Variant of Uncertain Significance.

Labcorp Genetics (formerly Invitae), Labcorp
Classification: Uncertain significance for Familial cancer of breast. Last evaluated: 2025-09-27. Review status: criteria provided, single submitter. Criteria: Invitae Variant Classification Sherloc (09022015). Collection method: clinical testing. Allele origin: germline.
Comment: This sequence change replaces arginine, which is basic and polar, with glycine, which is neutral and non-polar, at codon 411 of the PALB2 protein (p.Arg411Gly). This variant is not present in population databases (gnomAD no frequency). This variant has not been reported in the literature in individuals affected with PALB2-related conditions. Invitae Evidence Modeling of protein sequence and biophysical properties (such as structural, functional, and spatial information, amino acid conservation, physicochemical variation, residue mobility, and thermodynamic stability) indicates that this missense variant is expected to disrupt PALB2 protein function with a positive predictive value of 80%. In summary, the available evidence is currently insufficient to determine the role of this variant in disease. Therefore, it has been classified as a Variant of Uncertain Significance.

NM_024675.4(PALB2):c.1231A>G (p.Arg411Gly)

Gene: PALB2 (partner and localizer of BRCA2; minus strand). Cytogenetic location: 16p12.2.
Variant type: single nucleotide variant.
Coding change: c.1231A>G on transcript NM_024675.4 (MANE Select); coding-DNA position 1231, A replaced by G.
Protein change: p.Arg411Gly; replaces arginine 411 with glycine.
Molecular consequence: missense variant. On other transcripts: intron variant (3).
Genome position (GRCh38, 1-based): chr16:23,635,315, T>C on the plus strand (A>G on the coding strand, the complement: PALB2 is on the minus strand). VCF-style: chr16-23635315-T-C. GRCh37 (hg19) VCF-style: chr16-23646636-T-C.
Other names: c.1171A>G, p.Arg391Gly (NM_001407296.1); c.1231A>G, p.Arg411Gly (NM_001407297.1, NM_001407298.1, NM_001407299.1 and 3 more transcripts); c.346A>G, p.Arg116Gly (NM_001407304.1, NM_001407305.1, NM_001407306.1 and 5 more transcripts); c.48+5795A>G (NM_001407314.1); c.-104-4846A>G (NM_001407313.1, NM_001407312.1); short protein forms R116G, R391G, R411G.
Identifiers: ClinVar variation 4740504 (VCV004740504.1).
Genomic context (GRCh38, chr16:23,635,315, plus strand): 5'-TCTGAATGACAGCCTCCACGGCTACTTTCCTCTGGCAATTGGACATGCTTCGTGTTGTTC[T>C]AACATAATATTCTGCAGGAAACAGAAGGCCTTCAGGCACTGTGCAAGAATGTTTTTCTGC-3'
Protein context (NP_078951.2, residues 401-421): GLLFPAEYYV[Arg411Gly]TTRSMSNCQR